The following is an entry in ClinVar:

ClinVar aggregate classification (germline): Uncertain significance (1 of 4 stars; one submission).

Conditions:
Dyskeratosis congenita. Identifiers: Orphanet 1775, MedGen C0265965, MONDO:0015780.

Allele frequency attached by ClinVar (database versions not stated): gnomAD below 0.00001 and 0.00001; gnomAD exomes below 0.00001.
gnomAD v4.1: 3 of 1,614,032 alleles (0.00019%); highest among the groups gnomAD compares: South Asian, 0.0033%; no homozygotes.

Submission:

Labcorp Genetics (formerly Invitae), Labcorp
Classification: Uncertain significance for Dyskeratosis congenita. Last evaluated: 2022-10-05. Review status: criteria provided, single submitter. Criteria: Invitae Variant Classification Sherloc (09022015). Collection method: clinical testing. Allele origin: germline.
Comment: ClinVar contains an entry for this variant (Variation ID: 1006510). In summary, the available evidence is currently insufficient to determine the role of this variant in disease. Therefore, it has been classified as a Variant of Uncertain Significance. Advanced modeling of protein sequence and biophysical properties (such as structural, functional, and spatial information, amino acid conservation, physicochemical variation, residue mobility, and thermodynamic stability) performed at Invitae indicates that this missense variant is expected to disrupt CTC1 protein function. This variant has not been reported in the literature in individuals affected with CTC1-related conditions. This variant is present in population databases (no rsID available, gnomAD 0.003%). This sequence change replaces proline, which is neutral and non-polar, with leucine, which is neutral and non-polar, at codon 956 of the CTC1 protein (p.Pro956Leu).

NM_025099.6(CTC1):c.2867C>T (p.Pro956Leu)

Gene: CTC1 (CST telomere replication complex component 1; minus strand). Cytogenetic location: 17p13.1.
Variant type: single nucleotide variant.
Coding change: c.2867C>T on transcript NM_025099.6 (MANE Select); coding-DNA position 2867, C replaced by T.
Protein change: p.Pro956Leu; replaces proline 956 with leucine.
Molecular consequence: missense variant. On other transcripts: non-coding transcript variant (1).
Genome position (GRCh38, 1-based): chr17:8,230,360, G>A on the plus strand (C>T on the coding strand, the complement: CTC1 is on the minus strand). VCF-style: chr17-8230360-G-A. GRCh37 (hg19) VCF-style: chr17-8133678-G-A.
Other names: short protein forms P956L.
Identifiers: ClinVar variation 1006510 (VCV001006510.8), dbSNP rs1345126351, ClinGen allele CA397974029.